The following is an entry in ClinVar:

ClinVar aggregate classification (germline): Uncertain significance (1 of 4 stars; one submission).

gnomAD v4.1: 19 of 1,610,962 alleles (0.0012%); highest among the groups gnomAD compares: Middle Eastern, 0.033%; no homozygotes.

Submission:

CeGaT Center for Human Genetics Tuebingen
Classification: Uncertain significance. Last evaluated: 2025-08-01. Review status: criteria provided, single submitter. Criteria: CeGaT Center For Human Genetics Tuebingen Variant Classification Criteria Version 2. Collection method: clinical testing. Allele origin: germline. Affected: yes. Observed: 1 variant allele.
Comment: GLI1: PM2

NM_005269.3(GLI1):c.58C>T (p.Arg20Trp)

Gene: GLI1 (GLI family zinc finger 1; plus strand). Cytogenetic location: 12q13.3.
Variant type: single nucleotide variant.
Coding change: c.58C>T on transcript NM_005269.3 (MANE Select); coding-DNA position 58, C replaced by T.
Protein change: p.Arg20Trp; replaces arginine 20 with tryptophan.
Molecular consequence: missense variant. On other transcripts: intron variant (1).
Genome position (GRCh38, 1-based): chr12:57,463,749, C>T. VCF-style: chr12-57463749-C-T. GRCh37 (hg19) VCF-style: chr12-57857532-C-T.
Other names: c.58C>T, p.Arg20Trp (NM_001167609.2); c.-191-924C>T (NM_001160045.2); short protein forms R20W.
Identifiers: ClinVar variation 4084372 (VCV004084372.8).